The following is an entry in ClinVar:

NM_001184880.2(PCDH19):c.696T>A (p.Asn232Lys)

Gene: PCDH19 (protocadherin 19; minus strand). Cytogenetic location: Xq22.1.
Variant type: single nucleotide variant.
Coding change: c.696T>A on transcript NM_001184880.2 (MANE Select); coding-DNA position 696, T replaced by A.
Protein change: p.Asn232Lys; replaces asparagine 232 with lysine.
Molecular consequence: missense variant.
Genome position (GRCh38, 1-based): chrX:100,407,902, A>T on the plus strand (T>A on the coding strand, the complement: PCDH19 is on the minus strand). VCF-style: chrX-100407902-A-T. GRCh37 (hg19) VCF-style: chrX-99662900-A-T.
Other names: p.N232K:AAT>AAA; c.696T>A, p.Asn232Lys (NM_001105243.2, NM_020766.3); short protein forms N232K.
Identifiers: ClinVar variation 206322 (VCV000206322.2), dbSNP rs796052807, ClinGen allele CA316321.

ClinVar aggregate classification (germline): Pathogenic (1 of 4 stars; one submission).

Submission:

GeneDx
Classification: Pathogenic. Last evaluated: 2012-10-11. Review status: criteria provided, single submitter. Criteria: GeneDx Variant Classification (06012015). Collection method: clinical testing. Allele origin: germline. Affected: yes.
Comment: This variant is denoted p.Asn232Lys (AAT>AAA):c.696 T>A in exon 1 of the PCDH19 gene (NM_001105243.1). The Asn232Lys missense change has not been published as a mutation, nor has it been reported as a benign polymorphism to our knowledge. The NHLBI ESP Exome Variant Project has not identified Asn232Lys in approximately 6,500 individuals of European or African American ethnicity, indicating that it is not a common benign variant in these populations. The amino acid substitution is non-conservative as an uncharged Asparagine residue is replaced by a positively charged Lysine residue. Asn232Lys alters a highly conserved position at a Ca2+ binding site within the extracellular cadherin repeat domain of the protocadherin 19 protein and other missense mutations in this domain have been published in association with epilepsy (Depienne et al., Specchio et al., 2011). Therefore, based on the currently available information, Asn232Lys is a strong candidate for a disease-causing mutation. This variant has been observed de novo without verified parentage. The variant is found in INFANT-EPI panel(s).